The following is an entry in ClinVar:

ClinVar aggregate classification (germline): Likely benign. Review status: criteria provided, single submitter (1 of 4 stars). 2 submissions from 2 submitters: Likely benign (1). 1 of the submissions does not count toward it. Last evaluated 2025-05-13.

Conditions:
Deficiency of hydroxymethylglutaryl-CoA lyase (HMGCLD). Also called: Defect in leucine metabolism; 3-hydroxy-3-methylglutaric aciduria; HMG-CoA LYASE DEFICIENCY; HMGCL DEFICIENCY; HYDROXYMETHYLGLUTARIC ACIDURIA. Identifiers: Orphanet 20, MedGen C1533587, MONDO:0009520, OMIM 246450.
HMGCL-related disorder. Also called: HMGCL-related condition.

Allele frequency attached by ClinVar (database versions not stated): gnomAD exomes 0.00001.
gnomAD v4.1: 9 of 1,614,086 alleles (0.00056%); highest among the groups gnomAD compares: Non-Finnish European, 0.00076%; no homozygotes.

Submissions (2):

Labcorp Genetics (formerly Invitae), Labcorp
Classification: Likely benign for Deficiency of hydroxymethylglutaryl-CoA lyase. Last evaluated: 2025-05-13. Review status: criteria provided, single submitter. Criteria: Invitae Variant Classification Sherloc (09022015). Collection method: clinical testing. Allele origin: germline.

PreventionGenetics, part of Exact Sciences
Classification: Likely benign for HMGCL-related condition. Last evaluated: 2022-07-08. Review status: no assertion criteria provided. Collection method: clinical testing. Allele origin: germline. Not counted in ClinVar's aggregate classification.
Comment: This variant is classified as likely benign based on ACMG/AMP sequence variant interpretation guidelines (Richards et al. 2015 PMID: 25741868, with internal and published modifications).

NM_000191.3(HMGCL):c.762T>C (p.Ser254=)

Gene: HMGCL (3-hydroxy-3-methylglutaryl-CoA lyase; minus strand). Cytogenetic location: 1p36.11.
Variant type: single nucleotide variant.
Coding change: c.762T>C on transcript NM_000191.3 (MANE Select); coding-DNA position 762, T replaced by C.
Protein change: p.Ser254=; no amino-acid change (serine 254 retained).
Molecular consequence: synonymous variant.
Genome position (GRCh38, 1-based): chr1:23,804,514, A>G on the plus strand (T>C on the coding strand, the complement: HMGCL is on the minus strand). VCF-style: chr1-23804514-A-G. GRCh37 (hg19) VCF-style: chr1-24131004-A-G.
Other names: c.762T>C (NM_000191.2); c.549T>C, p.Ser183= (NM_001166059.2).
Identifiers: ClinVar variation 1125720 (VCV001125720.11), dbSNP rs983682054, ClinGen allele CA19288467.